The following is an entry in ClinVar:

ClinVar aggregate classification (germline): Uncertain significance (1 of 4 stars; one submission).

Submission:

GeneDx
Classification: Uncertain significance. Last evaluated: 2025-03-11. Review status: criteria provided, single submitter. Criteria: GeneDx Variant Classification Process June 2021. Collection method: clinical testing. Allele origin: germline. Affected: yes.
Comment: Not observed at significant frequency in large population cohorts (gnomAD); In silico analysis supports that this missense variant has a deleterious effect on protein structure/function; Has not been previously published as pathogenic or benign to our knowledge; Variants in candidate genes are classified as variants of uncertain significance in accordance with ACMG guidelines (PMID: 25741868)

NM_002253.4(KDR):c.3048G>T (p.Met1016Ile)

Gene: KDR (kinase insert domain receptor; minus strand). Cytogenetic location: 4q12.
Variant type: single nucleotide variant.
Coding change: c.3048G>T on transcript NM_002253.4 (MANE Select); coding-DNA position 3048, G replaced by T.
Protein change: p.Met1016Ile; replaces methionine 1016 with isoleucine.
Molecular consequence: missense variant.
Genome position (GRCh38, 1-based): chr4:55,092,638, C>A on the plus strand (G>T on the coding strand, the complement: KDR is on the minus strand). VCF-style: chr4-55092638-C-A. GRCh37 (hg19) VCF-style: chr4-55958805-C-A.
Other names: short protein forms M1016I.
Identifiers: ClinVar variation 4083182 (VCV004083182.1).